The following is an entry in ClinVar:

ClinVar aggregate classification (germline): Benign/Likely benign. Review status: criteria provided, multiple submitters, no conflicts (2 of 4 stars). 3 submissions from 3 submitters: Benign (1); Likely benign (2). Last evaluated 2026-04-23.

Conditions:
Colorectal cancer, susceptibility to, 1. Also called: COLORECTAL ADENOMA AND CANCER, SUSCEPTIBILITY TO; COLORECTAL CANCER, SUSCEPTIBILITY TO, ON CHROMOSOME 9. Identifiers: MedGen C1837315, MONDO:0012132, OMIM 608812.

Allele frequency attached by ClinVar (database versions not stated): gnomAD exomes below 0.00001.
gnomAD v4.1: 5 of 1,614,180 alleles (0.00031%); highest among the groups gnomAD compares: Non-Finnish European, 0.00042%; no homozygotes.

Submissions (3):

Myriad Genetics, Inc.
Classification: Benign for Colorectal cancer, susceptibility to, 1. Last evaluated: 2026-04-23. Review status: criteria provided, single submitter. Criteria: Myriad Autosomal Dominant, Autosomal Recessive and X-Linked Classification Criteria (2023). Collection method: clinical testing. Allele origin: unknown.
Comment: This variant is considered benign. This variant is a silent/synonymous amino acid change and it is not expected to impact splicing.

Labcorp Genetics (formerly Invitae), Labcorp
Classification: Likely benign. Last evaluated: 2023-09-25. Review status: criteria provided, single submitter. Criteria: Invitae Variant Classification Sherloc (09022015). Collection method: clinical testing. Allele origin: germline.

Ambry Genetics
Classification: Likely benign. Last evaluated: 2019-09-23. Review status: criteria provided, single submitter. Criteria: Ambry Variant Classification Scheme 2023. Collection method: clinical testing. Allele origin: germline.

NM_024642.5(GALNT12):c.399T>C (p.Asp133=)

Gene: GALNT12 (polypeptide N-acetylgalactosaminyltransferase 12; plus strand). Cytogenetic location: 9q22.33.
Variant type: single nucleotide variant.
Coding change: c.399T>C on transcript NM_024642.5 (MANE Select); coding-DNA position 399, T replaced by C.
Protein change: p.Asp133=; no amino-acid change (aspartic acid 133 retained).
Molecular consequence: synonymous variant.
Genome position (GRCh38, 1-based): chr9:98,823,283, T>C. VCF-style: chr9-98823283-T-C. GRCh37 (hg19) VCF-style: chr9-101585565-T-C.
Identifiers: ClinVar variation 824472 (VCV000824472.13), dbSNP rs1588444640, ClinGen allele CA466423530.
Genomic context (GRCh38, chr9:98,823,283, plus strand): 5'-TCCTGAGTTCCTGAAGTTCCGCTGTATTTGCAGGTGCAAAGAGAAGAAATATGATTATGA[T>C]AATTTGCCCAGGACATCTGTTATCATAGCATTTTATAATGAAGCCTGGTCAACTCTCCTT-3'
Protein context (NP_078918.3, residues 123-143): PLCKEKKYDY[Asp133=]NLPRTSVIIA